The following is an entry in ClinVar:

NM_024675.4(PALB2):c.3447C>T (p.Ala1149=)

Gene: PALB2 (partner and localizer of BRCA2; minus strand). Cytogenetic location: 16p12.2.
Variant type: single nucleotide variant.
Coding change: c.3447C>T on transcript NM_024675.4 (MANE Select); coding-DNA position 3447, C replaced by T.
Protein change: p.Ala1149=; no amino-acid change (alanine 1149 retained).
Molecular consequence: synonymous variant.
Genome position (GRCh38, 1-based): chr16:23,603,573, G>A on the plus strand (C>T on the coding strand, the complement: PALB2 is on the minus strand). VCF-style: chr16-23603573-G-A. GRCh37 (hg19) VCF-style: chr16-23614894-G-A.
Identifiers: ClinVar variation 823780 (VCV000823780.8), dbSNP rs1555457863, ClinGen allele CA494173623.

ClinVar aggregate classification (germline): Benign/Likely benign. Review status: criteria provided, multiple submitters, no conflicts (2 of 4 stars). 3 submissions from 3 submitters: Benign (1); Likely benign (2). Last evaluated 2025-01-22.

Conditions:
Hereditary cancer-predisposing syndrome. Also called: Neoplastic Syndromes, Hereditary; Tumor predisposition; Hereditary neoplastic syndrome; Hereditary Cancer Syndrome. Identifiers: Orphanet 140162, MedGen C0027672, MeSH D009386, MONDO:0015356.
Familial cancer of breast. Also called: BREAST CANCER, FAMILIAL; Hereditary breast cancer; hereditary breast carcinoma. Identifiers: Orphanet 227535, MedGen C0346153, MONDO:0016419, OMIM 114480. Disease mechanism: loss of function.

Submissions (3):

Myriad Genetics, Inc.
Classification: Benign for Familial cancer of breast. Last evaluated: 2025-01-22. Review status: criteria provided, single submitter. Criteria: Myriad Autosomal Dominant, Autosomal Recessive and X-Linked Classification Criteria (2023). Collection method: clinical testing. Allele origin: unknown.
Comment: This variant is considered benign. This variant is a silent/synonymous amino acid change and it is not expected to impact splicing.

Labcorp Genetics (formerly Invitae), Labcorp
Classification: Likely benign for Familial cancer of breast. Last evaluated: 2024-07-04. Review status: criteria provided, single submitter. Criteria: Invitae Variant Classification Sherloc (09022015). Collection method: clinical testing. Allele origin: germline.

Ambry Genetics
Classification: Likely benign for Hereditary cancer-predisposing syndrome. Last evaluated: 2018-09-14. Review status: criteria provided, single submitter. Criteria: Ambry Variant Classification Scheme 2023. Collection method: clinical testing. Allele origin: germline.